The following is an entry in ClinVar:

NM_001903.5(CTNNA1):c.1962G>A (p.Thr654=)

Gene: CTNNA1 (catenin alpha 1; plus strand). Cytogenetic location: 5q31.2.
Variant type: single nucleotide variant.
Coding change: c.1962G>A on transcript NM_001903.5 (MANE Select); coding-DNA position 1962, G replaced by A.
Protein change: p.Thr654=; no amino-acid change (threonine 654 retained).
Molecular consequence: synonymous variant.
Genome position (GRCh38, 1-based): chr5:138,929,308, G>A. VCF-style: chr5-138929308-G-A. GRCh37 (hg19) VCF-style: chr5-138264997-G-A.
Other names: c.1962G>A, p.Thr654= (NM_001290307.3, NM_001323982.2, NM_001323983.1 and 2 more transcripts); c.1653G>A, p.Thr551= (NM_001290309.3); c.1593G>A, p.Thr531= (NM_001290310.3); c.852G>A, p.Thr284= (NM_001290312.1, NM_001323987.1, NM_001323988.1 and 17 more transcripts); c.1869G>A, p.Thr623= (NM_001323986.2); c.513G>A, p.Thr171= (NM_001324006.1, NM_001324007.1, NM_001324008.1 and 2 more transcripts); c.759G>A, p.Thr253= (NM_001324011.1); c.609G>A, p.Thr203= (NM_001324012.1, NM_001324013.1); and 1 more.
Identifiers: ClinVar variation 702125 (VCV000702125.16), dbSNP rs538120740, ClinGen allele CA446597688.

ClinVar aggregate classification (germline): Benign/Likely benign. Review status: criteria provided, multiple submitters, no conflicts (2 of 4 stars). 5 submissions from 5 submitters: Benign (1); Likely benign (4). Last evaluated 2026-05-25.

Conditions:
Hereditary cancer-predisposing syndrome. Also called: Neoplastic Syndromes, Hereditary; Tumor predisposition; Hereditary Cancer Syndrome; Hereditary neoplastic syndrome. Identifiers: Orphanet 140162, MedGen C0027672, MeSH D009386, MONDO:0015356.
CTNNA1-related disorder. Also called: CTNNA1-related condition.
Hereditary diffuse gastric adenocarcinoma (HDGC). Also called: DIFFUSE GASTRIC AND LOBULAR BREAST CANCER SYNDROME. Identifiers: Orphanet 26106, MedGen C1708349, MONDO:0007648, OMIM 137215.

Allele frequency attached by ClinVar (database versions not stated): TOPMed 0.00006.
gnomAD v4.1: 47 of 1,612,336 alleles (0.0029%); highest among the groups gnomAD compares: Non-Finnish European, 0.0038%; no homozygotes.

Submissions (5):

PreventionGenetics, part of Exact Sciences
Classification: Likely benign for CTNNA1-related condition. Last evaluated: 2026-05-25. Review status: criteria provided, single submitter. Criteria: ACMG Guidelines, 2015. Collection method: clinical testing. Allele origin: germline.
Comment: This variant is classified as likely benign based on ACMG/AMP sequence variant interpretation guidelines (Richards et al. 2015 PMID: 25741868, with internal and published modifications).

Labcorp Genetics (formerly Invitae), Labcorp
Classification: Likely benign. Last evaluated: 2025-12-20. Review status: criteria provided, single submitter. Criteria: Invitae Variant Classification Sherloc (09022015). Collection method: clinical testing. Allele origin: germline.

Myriad Genetics, Inc.
Classification: Benign for Hereditary diffuse gastric adenocarcinoma. Last evaluated: 2024-10-14. Review status: criteria provided, single submitter. Criteria: Myriad Autosomal Dominant, Autosomal Recessive and X-Linked Classification Criteria (2023). Collection method: clinical testing. Allele origin: unknown.
Comment: This variant is considered benign. This variant is a silent/synonymous amino acid change and it is not expected to impact splicing.

Blueprint Genetics
Classification: Likely benign. Last evaluated: 2020-01-31. Review status: criteria provided, single submitter. Criteria: ACMG Guidelines, 2015. Collection method: clinical testing. Allele origin: germline.

Ambry Genetics
Classification: Likely benign for Hereditary cancer-predisposing syndrome. Last evaluated: 2020-01-28. Review status: criteria provided, single submitter. Criteria: Ambry Variant Classification Scheme 2023. Collection method: clinical testing. Allele origin: germline.